The following is an entry in ClinVar:

NM_000843.4(GRM6):c.663C>T (p.Ser221=)

Gene: GRM6 (glutamate metabotropic receptor 6; minus strand). Cytogenetic location: 5q35.3.
Variant type: single nucleotide variant.
Coding change: c.663C>T on transcript NM_000843.4 (MANE Select); coding-DNA position 663, C replaced by T.
Protein change: p.Ser221=; no amino-acid change (serine 221 retained).
Molecular consequence: synonymous variant.
Genome position (GRCh38, 1-based): chr5:178,991,925, G>A on the plus strand (C>T on the coding strand, the complement: GRM6 is on the minus strand). VCF-style: chr5-178991925-G-A. GRCh37 (hg19) VCF-style: chr5-178418926-G-A.
Other names: c.663C>T (NM_000843.3).
Identifiers: ClinVar variation 2967820 (VCV002967820.6), dbSNP rs752901391, ClinGen allele CA3594465.

ClinVar aggregate classification (germline): Likely benign. Review status: criteria provided, multiple submitters, no conflicts (2 of 4 stars). 3 submissions from 3 submitters: Likely benign (2). 1 of the submissions does not count toward it. Last evaluated 2025-07-03.

Conditions:
GRM6-related disorder. Also called: GRM6-related condition.

Allele frequency attached by ClinVar (database versions not stated): ExAC 0.00001; gnomAD 0.00003; gnomAD exomes 0.00003; TOPMed 0.00004.
gnomAD v4.1: 43 of 1,614,122 alleles (0.0027%); highest among the groups gnomAD compares: Middle Eastern, 0.033%; no homozygotes.

Submissions (3):

Labcorp Genetics (formerly Invitae), Labcorp
Classification: Likely benign. Last evaluated: 2025-07-03. Review status: criteria provided, single submitter. Criteria: Invitae Variant Classification Sherloc (09022015). Collection method: clinical testing. Allele origin: germline.

Blueprint Genetics
Classification: Likely benign. Last evaluated: 2023-12-29. Review status: criteria provided, single submitter. Criteria: ACMG Guidelines, 2015. Collection method: clinical testing. Allele origin: germline.

PreventionGenetics, part of Exact Sciences
Classification: Likely benign for GRM6-related condition. Last evaluated: 2020-01-03. Review status: no assertion criteria provided. Collection method: clinical testing. Allele origin: germline. Not counted in ClinVar's aggregate classification.
Comment: This variant is classified as likely benign based on ACMG/AMP sequence variant interpretation guidelines (Richards et al. 2015 PMID: 25741868, with internal and published modifications).